The following is an entry in ClinVar:

NM_139276.3(STAT3):c.799A>G (p.Ile267Val)

Gene: STAT3 (signal transducer and activator of transcription 3; minus strand). Cytogenetic location: 17q21.2.
Variant type: single nucleotide variant.
Coding change: c.799A>G on transcript NM_139276.3 (MANE Select); coding-DNA position 799, A replaced by G.
Protein change: p.Ile267Val; replaces isoleucine 267 with valine.
Molecular consequence: missense variant.
Genome position (GRCh38, 1-based): chr17:42,334,048, T>C on the plus strand (A>G on the coding strand, the complement: STAT3 is on the minus strand). VCF-style: chr17-42334048-T-C. GRCh37 (hg19) VCF-style: chr17-40486066-T-C.
Other names: c.799A>G, p.Ile267Val (NM_001369512.1, NM_001369513.1, NM_001369514.1 and 15 more transcripts); c.721A>G, p.Ile241Val (NM_001384985.1); c.703A>G, p.Ile235Val (NM_001384989.1); short protein forms I241V, I267V, I235V.
Identifiers: ClinVar variation 2164716 (VCV002164716.4), dbSNP rs749302989, ClinGen allele CA8575537.
Genomic context (GRCh38, chr17:42,334,048, plus strand): 5'-ACTCCTCCAGTTTCTTAATTTGTTGACGGGTCTGAAGTTGAGATTCTGCTAATGACGTTA[T>C]CCTGCCAATAAATTAAGAAAGATGCTAATTACCAAAGTGAATGTATACAGGTGAGATGGA-3'
Protein context (NP_644805.1, residues 257-277): NICLDRLENW[Ile267Val]TSLAESQLQT

ClinVar aggregate classification (germline): Uncertain significance (1 of 4 stars; one submission).

Conditions:
Hyper-IgE recurrent infection syndrome 1, autosomal dominant. Also called: STAT3 Hyper IgE Syndrome; Hyper-IgE recurrent infection syndrome 1; Job's Syndrome; HYPER-IgE SYNDROME 1, AUTOSOMAL DOMINANT, WITH RECURRENT INFECTIONS; JOB SYNDROME. Identifiers: Orphanet 2314, MedGen C2936739, MONDO:0007818, OMIM 147060.
STAT3 gain of function. Identifiers: MedGen C4288261.

Allele frequency attached by ClinVar (database versions not stated): gnomAD 0.00001; TOPMed 0.00001; ExAC 0.00285.

Submission:

Labcorp Genetics (formerly Invitae), Labcorp
Classification: Uncertain significance for STAT3 gain of function; Hyper-IgE recurrent infection syndrome 1, autosomal dominant. Last evaluated: 2026-01-08. Review status: criteria provided, single submitter. Criteria: Invitae Variant Classification Sherloc (09022015). Collection method: clinical testing. Allele origin: germline.
Comment: This sequence change replaces isoleucine, which is neutral and non-polar, with valine, which is neutral and non-polar, at codon 267 of the STAT3 protein (p.Ile267Val). The frequency data for this variant in the population databases is considered unreliable, as metrics indicate poor data quality at this position in the gnomAD database. This variant has not been reported in the literature in individuals affected with STAT3-related conditions. ClinVar contains an entry for this variant (Variation ID: 2164716). An algorithm developed to predict the effect of missense changes on protein structure and function (PolyPhen-2) suggests that this variant is likely to be tolerated. In summary, the available evidence is currently insufficient to determine the role of this variant in disease. Therefore, it has been classified as a Variant of Uncertain Significance.